The following is an entry in ClinVar:

NM_024570.4(RNASEH2B):c.488C>T (p.Thr163Ile)

Gene: RNASEH2B (ribonuclease H2 subunit B; plus strand). Cytogenetic location: 13q14.3.
Variant type: single nucleotide variant.
Coding change: c.488C>T on transcript NM_024570.4 (MANE Select); coding-DNA position 488, C replaced by T.
Protein change: p.Thr163Ile; replaces threonine 163 with isoleucine.
Molecular consequence: missense variant.
Genome position (GRCh38, 1-based): chr13:50,943,372, C>T. VCF-style: chr13-50943372-C-T. GRCh37 (hg19) VCF-style: chr13-51517508-C-T.
Other names: c.488C>T, p.Thr163Ile (NM_001142279.2); short protein forms T163I.
Identifiers: ClinVar variation 650668 (VCV000650668.12), dbSNP rs79310911, ClinGen allele CA249998007.

ClinVar aggregate classification (germline): Pathogenic/Likely pathogenic. Review status: criteria provided, multiple submitters, no conflicts (2 of 4 stars). 2 submissions from 2 submitters: Pathogenic (1); Likely pathogenic (1). Last evaluated 2025-10-07.

Conditions:
Aicardi-Goutieres syndrome 2. Identifiers: Orphanet 51, MedGen C3489724, MONDO:0012429, OMIM 610181.

Allele frequency attached by ClinVar (database versions not stated): gnomAD exomes below 0.00001 and 0.00001; gnomAD 0.00001; TOPMed 0.00002.
gnomAD v4.1: 16 of 1,605,708 alleles (0.001%); highest among the groups gnomAD compares: Admixed American, 0.0017%; no homozygotes.

Submissions (2):

Labcorp Genetics (formerly Invitae), Labcorp
Classification: Pathogenic for Aicardi-Goutieres syndrome 2. Last evaluated: 2025-10-07. Review status: criteria provided, single submitter. Criteria: Invitae Variant Classification Sherloc (09022015). Collection method: clinical testing. Allele origin: germline.
Comment: This sequence change replaces threonine, which is neutral and polar, with isoleucine, which is neutral and non-polar, at codon 163 of the RNASEH2B protein (p.Thr163Ile). This variant is present in population databases (rs79310911, gnomAD 0.003%). This missense change has been observed in individual(s) with Aicardi-Goutieres syndrome (PMID: 16845400). In at least one individual the data is consistent with being in trans (on the opposite chromosome) from a pathogenic variant. ClinVar contains an entry for this variant (Variation ID: 650668). Invitae Evidence Modeling of protein sequence and biophysical properties (such as structural, functional, and spatial information, amino acid conservation, physicochemical variation, residue mobility, and thermodynamic stability) has been performed for this missense variant. However, the output from this modeling did not meet the statistical confidence thresholds required to predict the impact of this variant on RNASEH2B protein function. Experimental studies are conflicting or provide insufficient evidence to determine the effect of this variant on RNASEH2B function (PMID: 25274781). For these reasons, this variant has been classified as Pathogenic.

Neuberg Centre For Genomic Medicine, NCGM
Classification: Likely pathogenic for Aicardi-Goutieres syndrome 2. Last evaluated: 2023-05-20. Review status: criteria provided, single submitter. Criteria: ACMG Guidelines, 2015. Collection method: clinical testing. Allele origin: germline. Inheritance: Autosomal recessive inheritance. Affected: yes.
Comment: The observed missense variant c.488C>T(p.Thr163Ile) in RNASEH2B gene has been reported previously in compound heterozygous state in individuals with Aicardi-Goutières syndrome (Crow YJ, et al., 2006, Pizzi S, et al., 2015). Experimental evidence suggests that this mutation along with another mutation p.(Ala177Thr) leads to reduced stability and cellular levels of RNase H2, leading to genome instability and fork stalling (Garau J, et al., 2019). However, additional details are required to prove its pathogenicity. The c.488C>T variant is reported with 0.0004% allele frequency in gnomAD Exomes. The amino acid Threonine at position 163 is changed to a Isoleucine changing protein sequence and it might alter its composition and physico-chemical properties. This variant has been reported to the ClinVar database as Pathogenic. Multiple lines of computational evidence (Polyphen, SIFT and Mutation Taster) predict a damaging effect on protein structure and function for this variant. The amino acid change p.Thr163Ile in RNASEH2B is predicted as conserved by GERP++ and PhyloP across 100 vertebrates. For these reasons, this variant has been classified as Likely Pathogenic.

Literature cited by the submitters: PubMed 16845400 (cited by Labcorp Genetics (formerly Invitae), Labcorp); PubMed 25274781 (cited by Labcorp Genetics (formerly Invitae), Labcorp).